The following is an entry in ClinVar:

NM_025114.4(CEP290):c.1824+1G>A

Gene: CEP290 (centrosomal protein 290; minus strand). Cytogenetic location: 12q21.32.
Variant type: single nucleotide variant.
Coding change: c.1824+1G>A on transcript NM_025114.4 (MANE Select); the canonical splice donor site of the intron after coding-DNA position 1824, G replaced by A.
Molecular consequence: splice donor variant.
Genome position (GRCh38, 1-based): chr12:88,117,032, C>T on the plus strand (G>A on the coding strand, the complement: CEP290 is on the minus strand). VCF-style: chr12-88117032-C-T. GRCh37 (hg19) VCF-style: chr12-88510809-C-T.
Other names: c.1824+1G>A (NM_025114.3).
Identifiers: ClinVar variation 2680624 (VCV002680624.2), dbSNP rs2500865783, ClinGen allele CA385977943.

ClinVar aggregate classification (germline): Likely pathogenic. Review status: criteria provided, single submitter (1 of 4 stars). 2 submissions from 2 submitters: Likely pathogenic (1). 1 of the submissions does not count toward it. Last evaluated 2023-03-25.

Conditions:
Bardet-Biedl syndrome 14 (BBS14). Identifiers: Orphanet 110, MedGen C2673874, MONDO:0014442, OMIM 615991.
CEP290-related disorder. Also called: CEP290-related condition; CEP290-related disorders. Identifiers: MedGen CN239314.

Submissions (2):

Baylor Genetics
Classification: Likely pathogenic for Bardet-Biedl syndrome 14. Last evaluated: 2023-03-25. Review status: criteria provided, single submitter. Criteria: ACMG Guidelines, 2015. Collection method: clinical testing. Allele origin: unknown.

PreventionGenetics, part of Exact Sciences
Classification: Pathogenic for CEP290-related condition. Last evaluated: 2024-08-06. Review status: no assertion criteria provided. Collection method: clinical testing. Allele origin: germline. Not counted in ClinVar's aggregate classification.
Comment: The CEP290 c.1824+1G>A variant is predicted to disrupt the GT donor site and interfere with normal splicing. To our knowledge, this variant has not been reported in the literature. However, a different variant that impacts this splice junction (c.1824+3A>G) has been reported in the compound heterozygous state in siblings with a CEP290-related disorder (Barny et al 2019. PubMed ID: 31884610). This variant has not been reported in a large population database, indicating this variant is rare. Variants that disrupt the consensus splice donor site in CEP290 are expected to be pathogenic. This variant is interpreted as pathogenic.